The following is an entry in ClinVar:

ClinVar aggregate classification (germline): Benign/Likely benign. Review status: criteria provided, multiple submitters, no conflicts (2 of 4 stars). 3 submissions from 3 submitters: Benign (1); Likely benign (2). Last evaluated 2024-07-26.

Conditions:
Hereditary cancer-predisposing syndrome. Also called: Neoplastic Syndromes, Hereditary; Tumor predisposition; Hereditary Cancer Syndrome; Hereditary neoplastic syndrome. Identifiers: Orphanet 140162, MedGen C0027672, MeSH D009386, MONDO:0015356.
Familial cancer of breast. Also called: BREAST CANCER, FAMILIAL; Hereditary breast cancer; hereditary breast carcinoma. Identifiers: Orphanet 227535, MedGen C0346153, MONDO:0016419, OMIM 114480. Disease mechanism: loss of function.

Allele frequency attached by ClinVar (database versions not stated): TOPMed 0.00001.

Submissions (3):

Myriad Genetics, Inc.
Classification: Benign for Familial cancer of breast. Last evaluated: 2024-07-26. Review status: criteria provided, single submitter. Criteria: Myriad Autosomal Dominant, Autosomal Recessive and X-Linked Classification Criteria (2023). Collection method: clinical testing. Allele origin: unknown.
Comment: This variant is considered benign. This variant is a silent/synonymous amino acid change and it is not expected to impact splicing.

Ambry Genetics
Classification: Likely benign for Hereditary cancer-predisposing syndrome. Last evaluated: 2020-11-09. Review status: criteria provided, single submitter. Criteria: Ambry Variant Classification Scheme 2023. Collection method: clinical testing. Allele origin: germline.

Color Diagnostics, LLC DBA Color Health
Classification: Likely benign for Hereditary cancer-predisposing syndrome. Last evaluated: 2019-01-28. Review status: criteria provided, single submitter. Criteria: ACMG Guidelines, 2015. Collection method: clinical testing. Allele origin: germline.

NM_000465.4(BARD1):c.1827T>C (p.Val609=)

Gene: BARD1 (BRCA1 associated RING domain 1; minus strand). Cytogenetic location: 2q35.
Variant type: single nucleotide variant.
Coding change: c.1827T>C on transcript NM_000465.4 (MANE Select); coding-DNA position 1827, T replaced by C.
Protein change: p.Val609=; no amino-acid change (valine 609 retained).
Molecular consequence: synonymous variant. On other transcripts: non-coding transcript variant (3), intron variant (1).
Genome position (GRCh38, 1-based): chr2:214,745,143, A>G on the plus strand (T>C on the coding strand, the complement: BARD1 is on the minus strand). VCF-style: chr2-214745143-A-G. GRCh37 (hg19) VCF-style: chr2-215609867-A-G.
Other names: c.1770T>C, p.Val590= (NM_001282543.2); c.474T>C, p.Val158= (NM_001282545.2); c.417T>C, p.Val139= (NM_001282548.2); c.365-14635T>C (NM_001282549.2); c.1827T>C (NM_000465.2).
Identifiers: ClinVar variation 919331 (VCV000919331.5), dbSNP rs1470209504, ClinGen allele CA431145313.